The following is an entry in ClinVar:

NM_000179.3(MSH6):c.242C>G (p.Ala81Gly)

Gene: MSH6 (mutS homolog 6; plus strand). Cytogenetic location: 2p16.3.
Variant type: single nucleotide variant.
Coding change: c.242C>G on transcript NM_000179.3 (MANE Select); coding-DNA position 242, C replaced by G.
Protein change: p.Ala81Gly; replaces alanine 81 with glycine.
Molecular consequence: missense variant. On other transcripts: 5 prime UTR variant (1), intron variant (1).
Genome position (GRCh38, 1-based): chr2:47,783,475, C>G. VCF-style: chr2-47783475-C-G. GRCh37 (hg19) VCF-style: chr2-48010614-C-G.
Other names: c.-495C>G (NM_001281493.2, NM_001406811.1); c.242C>G, p.Ala81Gly (NM_001406795.1, NM_001406796.1, NM_001406798.1 and 8 more transcripts); c.-87C>G (NM_001406799.1); c.-687C>G (NM_001406807.1); c.-342C>G (NM_001406812.1); c.-753C>G (NM_001406814.1); c.-298C>G (NM_001406816.1); c.237+5C>G (NM_001281492.2); short protein forms A81G.
Identifiers: ClinVar variation 1791143 (VCV001791143.4), dbSNP rs587779924, ClinGen allele CA346735120.

ClinVar aggregate classification (germline): Conflicting classifications of pathogenicity. Review status: criteria provided, conflicting classifications (1 of 4 stars). 2 submissions from 2 submitters: Likely pathogenic (1); Uncertain significance (1). Last evaluated 2025-08-06.

Conditions:
Hereditary cancer-predisposing syndrome. Also called: Hereditary Cancer Syndrome; Hereditary neoplastic syndrome; Tumor predisposition; Neoplastic Syndromes, Hereditary. Identifiers: Orphanet 140162, MedGen C0027672, MeSH D009386, MONDO:0015356.
Endometrial carcinoma. Also called: Endometrial carcinoma, somatic. Identifiers: MedGen C0476089, MONDO:0002447, OMIM 608089, HP:0012114.

gnomAD v4.1: 1 of 1,439,422 alleles (0.000069%); highest among the groups gnomAD compares: Non-Finnish European, 0.000091%; no homozygotes.

Submissions (2):

Ambry Genetics
Classification: Likely pathogenic for Hereditary cancer-predisposing syndrome. Last evaluated: 2025-08-06. Review status: criteria provided, single submitter. Criteria: Ambry Variant Classification Scheme 2023. Collection method: clinical testing. Allele origin: germline.
Comment: The c.242C>G variant (also known as p.A81G), located in coding exon 1 of the MSH6 gene, results from a C to G substitution at nucleotide position 242. The alanine at codon 81 is replaced by glycine, an amino acid with similar properties. This nucleotide position is well conserved in available vertebrate species. In silico splice site analysis predicts that this alteration will result in the creation or strengthening of a novel splice donor site. RNA studies have demonstrated that this alteration results in abnormal splicing in the set of samples tested (Ambry internal data). Based on the majority of available evidence to date, this variant is likely to be pathogenic.

Baylor Genetics
Classification: Uncertain significance for Endometrial carcinoma. Last evaluated: 2023-01-03. Review status: criteria provided, single submitter. Criteria: ACMG Guidelines, 2015. Collection method: clinical testing. Allele origin: unknown.